The following is an entry in ClinVar:

NM_152443.3(RDH12):c.190G>A (p.Ala64Thr)

Genes: GPHN (gephyrin; plus strand), RDH12 (retinol dehydrogenase 12; plus strand). Cytogenetic location: 14q24.1.
Variant type: single nucleotide variant.
Coding change: c.190G>A on transcript NM_152443.3 (MANE Select); coding-DNA position 190, G replaced by A.
Protein change: p.Ala64Thr; replaces alanine 64 with threonine.
Molecular consequence: missense variant.
Genome position (GRCh38, 1-based): chr14:67,725,101, G>A. VCF-style: chr14-67725101-G-A. GRCh37 (hg19) VCF-style: chr14-68191818-G-A.
Other names: short protein forms A64T.
Identifiers: ClinVar variation 3730465 (VCV003730465.2).
Genomic context (GRCh38, chr14:67,725,101, plus strand): 5'-ATACCTCCTTTATAGCCTAGGATATGAACATACTGCTCTTTTTTTGTCTTGGACCCAGGA[G>A]CCCGAGTCTATATTGCCTGCAGAGATGTACTGAAGGGGGAGTCTGCTGCCAGTGAAATCC-3'
Protein context (NP_689656.2, residues 54-74): ETARELASRG[Ala64Thr]RVYIACRDVL

ClinVar aggregate classification (germline): Uncertain significance (1 of 4 stars; one submission).

Conditions:
Leber congenital amaurosis 13 (LCA13). Identifiers: MedGen C2675186, MONDO:0012990, OMIM 612712.

gnomAD v4.1: 4 of 1,614,050 alleles (0.00025%); highest among the groups gnomAD compares: African/African-American, 0.0013%; no homozygotes.

Submission:

Labcorp Genetics (formerly Invitae), Labcorp
Classification: Uncertain significance for Leber congenital amaurosis 13. Last evaluated: 2025-10-23. Review status: criteria provided, single submitter. Criteria: Invitae Variant Classification Sherloc (09022015). Collection method: clinical testing. Allele origin: germline.
Comment: This sequence change replaces alanine, which is neutral and non-polar, with threonine, which is neutral and polar, at codon 64 of the RDH12 protein (p.Ala64Thr). This variant is present in population databases (rs374310344, gnomAD 0.004%). This variant has not been reported in the literature in individuals affected with RDH12-related conditions. ClinVar contains an entry for this variant (Variation ID: 3730465). An algorithm developed to predict the effect of missense changes on protein structure and function (PolyPhen-2) suggests that this variant is likely to be disruptive. In summary, the available evidence is currently insufficient to determine the role of this variant in disease. Therefore, it has been classified as a Variant of Uncertain Significance.